The following is an entry in ClinVar:

NM_005765.3(ATP6AP2):c.340C>T (p.His114Tyr)

Gene: ATP6AP2 (ATPase H+ transporting accessory protein 2; plus strand). Cytogenetic location: Xp11.4.
Variant type: single nucleotide variant.
Coding change: c.340C>T on transcript NM_005765.3 (MANE Select); coding-DNA position 340, C replaced by T.
Protein change: p.His114Tyr; replaces histidine 114 with tyrosine.
Molecular consequence: missense variant.
Genome position (GRCh38, 1-based): chrX:40,597,288, C>T. VCF-style: chrX-40597288-C-T. GRCh37 (hg19) VCF-style: chrX-40456540-C-T.
Other names: short protein forms H114Y.
Identifiers: ClinVar variation 2097628 (VCV002097628.4), dbSNP rs2518964300, ClinGen allele CA412755292.

ClinVar aggregate classification (germline): Uncertain significance (1 of 4 stars; one submission).

Conditions:
Intellectual developmental disorder, X-linked, syndromic, Hedera type. Also called: Syndromic X-linked intellectual disability Hedera type. Identifiers: Orphanet 93952, MedGen C1845543, MONDO:0010319, OMIM 300423.

Submission:

Labcorp Genetics (formerly Invitae), Labcorp
Classification: Uncertain significance for Intellectual developmental disorder, X-linked, syndromic, Hedera type. Last evaluated: 2022-02-14. Review status: criteria provided, single submitter. Criteria: Invitae Variant Classification Sherloc (09022015). Collection method: clinical testing. Allele origin: germline.
Comment: This sequence change replaces histidine, which is basic and polar, with tyrosine, which is neutral and polar, at codon 114 of the ATP6AP2 protein (p.His114Tyr). In summary, the available evidence is currently insufficient to determine the role of this variant in disease. Therefore, it has been classified as a Variant of Uncertain Significance. Algorithms developed to predict the effect of missense changes on protein structure and function are either unavailable or do not agree on the potential impact of this missense change (SIFT: "Tolerated"; PolyPhen-2: "Possibly Damaging"; Align-GVGD: "Class C0"). This variant has not been reported in the literature in individuals affected with ATP6AP2-related conditions. This variant is not present in population databases (gnomAD no frequency).